The following is an entry in ClinVar:

ClinVar aggregate classification (germline): Uncertain significance (1 of 4 stars; one submission).

Allele frequency attached by ClinVar (database versions not stated): gnomAD 0.00001; ExAC 0.00002; gnomAD exomes 0.00002.
gnomAD v4.1: 8 of 1,612,580 alleles (0.0005%); highest among the groups gnomAD compares: East Asian, 0.016%; no homozygotes.

Submission:

Labcorp Genetics (formerly Invitae), Labcorp
Classification: Uncertain significance. Last evaluated: 2024-01-15. Review status: criteria provided, single submitter. Criteria: Invitae Variant Classification Sherloc (09022015). Collection method: clinical testing. Allele origin: germline.
Comment: This sequence change replaces glycine, which is neutral and non-polar, with aspartic acid, which is acidic and polar, at codon 401 of the POP1 protein (p.Gly401Asp). This variant is present in population databases (rs766132740, gnomAD 0.04%). This variant has not been reported in the literature in individuals affected with POP1-related conditions. ClinVar contains an entry for this variant (Variation ID: 1473064). An algorithm developed to predict the effect of missense changes on protein structure and function (PolyPhen-2) suggests that this variant is likely to be disruptive. In summary, the available evidence is currently insufficient to determine the role of this variant in disease. Therefore, it has been classified as a Variant of Uncertain Significance.

NM_001145860.2(POP1):c.1202G>A (p.Gly401Asp)

Gene: POP1 (POP1 homolog, ribonuclease P/MRP subunit; plus strand). Cytogenetic location: 8q22.2.
Variant type: single nucleotide variant.
Coding change: c.1202G>A on transcript NM_001145860.2 (MANE Select); coding-DNA position 1202, G replaced by A.
Protein change: p.Gly401Asp; replaces glycine 401 with aspartic acid.
Molecular consequence: missense variant.
Genome position (GRCh38, 1-based): chr8:98,136,672, G>A. VCF-style: chr8-98136672-G-A. GRCh37 (hg19) VCF-style: chr8-99148900-G-A.
Other names: c.1202G>A, p.Gly401Asp (NM_001145861.2, NM_015029.3); short protein forms G401D.
Identifiers: ClinVar variation 1473064 (VCV001473064.4), dbSNP rs766132740, ClinGen allele CA4820508.